The following is an entry in ClinVar:

ClinVar aggregate classification (germline): Likely benign (1 of 4 stars; one submission).

Allele frequency attached by ClinVar (database versions not stated): ExAC 0.00001; gnomAD 0.00001; gnomAD exomes 0.00001.
gnomAD v4.1: 10 of 1,613,904 alleles (0.00062%); highest among the groups gnomAD compares: Non-Finnish European, 0.00068%; no homozygotes.

Submission:

CeGaT Center for Human Genetics Tuebingen
Classification: Likely benign. Last evaluated: 2022-12-01. Review status: criteria provided, single submitter. Criteria: CeGaT Center For Human Genetics Tuebingen Variant Classification Criteria Version 2. Collection method: clinical testing. Allele origin: germline. Affected: yes. Observed: 1 variant allele.
Comment: VAV2: BP4, BP7

NM_001134398.2(VAV2):c.504G>A (p.Gly168=)

Gene: VAV2 (vav guanine nucleotide exchange factor 2; minus strand). Cytogenetic location: 9q34.2.
Variant type: single nucleotide variant.
Coding change: c.504G>A on transcript NM_001134398.2 (MANE Select); coding-DNA position 504, G replaced by A.
Protein change: p.Gly168=; no amino-acid change (glycine 168 retained).
Molecular consequence: synonymous variant.
Genome position (GRCh38, 1-based): chr9:133,812,162, C>T on the plus strand (G>A on the coding strand, the complement: VAV2 is on the minus strand). VCF-style: chr9-133812162-C-T. GRCh37 (hg19) VCF-style: chr9-136677284-C-T.
Other names: c.504G>A, p.Gly168= (NM_001411028.1, NM_003371.4).
Identifiers: ClinVar variation 2659700 (VCV002659700.24), dbSNP rs766541095, ClinGen allele CA5316159.
Genomic context (GRCh38, chr9:133,812,162, plus strand): 5'-GGCAGGGCTCACCATGGGCTGCTGCACCTCCACCTTGATGATGTCCTCGTAGATGTCGTC[C>T]CCTCCATCCTCACACGGGACGCAGTCGTAGATGTCCTCCCCCAGGTCATGCTCGCTGCAC-3'
Protein context (NP_001127870.1, residues 158-178): IYDCVPCEDG[Gly168=]DDIYEDIIKV